The following is an entry in ClinVar:

NM_001385641.1(SAMD11):c.1369C>G (p.Gln457Glu)

Gene: SAMD11 (sterile alpha motif domain containing 11; plus strand). Cytogenetic location: 1p36.33.
Variant type: single nucleotide variant.
Coding change: c.1369C>G on transcript NM_001385641.1 (MANE Select); coding-DNA position 1369, C replaced by G.
Protein change: p.Gln457Glu; replaces glutamine 457 with glutamic acid.
Molecular consequence: missense variant.
Genome position (GRCh38, 1-based): chr1:942,146, C>G. VCF-style: chr1-942146-C-G. GRCh37 (hg19) VCF-style: chr1-877526-C-G.
Other names: c.1372C>G, p.Gln458Glu (NM_001385640.1); c.880C>G, p.Gln294Glu (NM_152486.4); short protein forms Q457E, Q294E, Q458E.
Identifiers: ClinVar variation 1378409 (VCV001378409.3), dbSNP rs1557609685, ClinGen allele CA337806075.

ClinVar aggregate classification (germline): Uncertain significance (1 of 4 stars; one submission).

Allele frequency attached by ClinVar (database versions not stated): gnomAD 0.00001.
gnomAD v4.1: 3 of 1,359,842 alleles (0.00022%); highest among the groups gnomAD compares: Non-Finnish European, 0.00029%; no homozygotes.

Submission:

Labcorp Genetics (formerly Invitae), Labcorp
Classification: Uncertain significance. Last evaluated: 2022-09-15. Review status: criteria provided, single submitter. Criteria: Invitae Variant Classification Sherloc (09022015). Collection method: clinical testing. Allele origin: germline.
Comment: This sequence change replaces glutamine, which is neutral and polar, with glutamic acid, which is acidic and polar, at codon 294 of the SAMD11 protein (p.Gln294Glu). This variant is not present in population databases (gnomAD no frequency). This variant has not been reported in the literature in individuals affected with SAMD11-related conditions. ClinVar contains an entry for this variant (Variation ID: 1378409). Algorithms developed to predict the effect of missense changes on protein structure and function output the following: SIFT: "Tolerated"; PolyPhen-2: "Benign"; Align-GVGD: "Class C0". The glutamic acid amino acid residue is found in multiple mammalian species, which suggests that this missense change does not adversely affect protein function. In summary, the available evidence is currently insufficient to determine the role of this variant in disease. Therefore, it has been classified as a Variant of Uncertain Significance.